The following is an entry in ClinVar:

NM_000528.4(MAN2B1):c.862A>G (p.Asn288Asp)

Gene: MAN2B1 (mannosidase alpha class 2B member 1; minus strand). Cytogenetic location: 19p13.13.
Variant type: single nucleotide variant.
Coding change: c.862A>G on transcript NM_000528.4 (MANE Select); coding-DNA position 862, A replaced by G.
Protein change: p.Asn288Asp; replaces asparagine 288 with aspartic acid.
Molecular consequence: missense variant.
Genome position (GRCh38, 1-based): chr19:12,663,364, T>C on the plus strand (A>G on the coding strand, the complement: MAN2B1 is on the minus strand). VCF-style: chr19-12663364-T-C. GRCh37 (hg19) VCF-style: chr19-12774178-T-C.
Other names: c.862A>G, p.Asn288Asp (NM_001173498.2); c.862A>G (NM_000528.3); short protein forms N288D.
Identifiers: ClinVar variation 1506872 (VCV001506872.5), dbSNP rs927024699, ClinGen allele CA305477614.
Genomic context (GRCh38, chr19:12,663,364, plus strand): 5'-ACACCAGGGTTACCTGGGCAGTGGCCACATTTAGGAAGTAATCGACCAGCTCCTTGGCGT[T>C]GTACTCGGGGCTGCGAGGGTCCTCCACCAGCGGCTGATCGACACACAGCACATCCCAGCA-3'
Protein context (NP_000519.2, residues 278-298): LVEDPRSPEY[Asn288Asp]AKELVDYFLN

ClinVar aggregate classification (germline): Uncertain significance. Review status: criteria provided, multiple submitters, no conflicts (2 of 4 stars). 3 submissions from 3 submitters: Uncertain significance (3). Last evaluated 2025-09-12.

Conditions:
MAN2B1-related disorder. Also called: MAN2B1-related condition.
Deficiency of alpha-mannosidase (MANSA). Also called: Alpha-Mannosidosis; Mannosidosis, alpha-, types I and II; LYSOSOMAL ALPHA-D-MANNOSIDASE DEFICIENCY. Identifiers: Orphanet 61, MedGen C0024748, MONDO:0009561, OMIM 248500.

Allele frequency attached by ClinVar (database versions not stated): gnomAD exomes 0.00001 and 0.00002; TOPMed 0.00005; gnomAD 0.00007.
gnomAD v4.1: 24 of 1,614,004 alleles (0.0015%); highest among the groups gnomAD compares: African/African-American, 0.025%; 1 homozygote.

Submissions (3):

PreventionGenetics, part of Exact Sciences
Classification: Uncertain significance for MAN2B1-related condition. Last evaluated: 2025-09-12. Review status: criteria provided, single submitter. Criteria: ACMG Guidelines, 2015. Collection method: clinical testing. Allele origin: germline.
Comment: The MAN2B1 c.862A>G variant is predicted to result in the amino acid substitution p.Asn288Asp. To our knowledge, this variant has not been reported in the literature. This variant is reported in 0.016% of alleles in individuals of African descent in gnomAD. At this time, the clinical significance of this variant is uncertain due to the absence of conclusive functional and genetic evidence.

Labcorp Genetics (formerly Invitae), Labcorp
Classification: Uncertain significance for Deficiency of alpha-mannosidase. Last evaluated: 2022-10-22. Review status: criteria provided, single submitter. Criteria: Invitae Variant Classification Sherloc (09022015). Collection method: clinical testing. Allele origin: germline.
Comment: This sequence change replaces asparagine, which is neutral and polar, with aspartic acid, which is acidic and polar, at codon 288 of the MAN2B1 protein (p.Asn288Asp). This variant is present in population databases (no rsID available, gnomAD 0.02%). This variant has not been reported in the literature in individuals affected with MAN2B1-related conditions. ClinVar contains an entry for this variant (Variation ID: 1506872). Advanced modeling of protein sequence and biophysical properties (such as structural, functional, and spatial information, amino acid conservation, physicochemical variation, residue mobility, and thermodynamic stability) has been performed at Invitae for this missense variant, however the output from this modeling did not meet the statistical confidence thresholds required to predict the impact of this variant on MAN2B1 protein function. In summary, the available evidence is currently insufficient to determine the role of this variant in disease. Therefore, it has been classified as a Variant of Uncertain Significance.

Breakthrough Genomics
Classification: Uncertain significance. Review status: criteria provided, single submitter. Criteria: ACMG Guidelines, 2015. Collection method: not provided. Allele origin: germline. Inheritance: Autosomal recessive inheritance. Affected: yes.